The following is an entry in ClinVar:

NM_001134793.2(HYLS1):c.822A>G (p.Ala274=)

Genes: HYLS1 (HYLS1 centriolar and ciliogenesis associated; plus strand), PUS3 (pseudouridine synthase 3; minus strand). Cytogenetic location: 11q24.2.
Variant type: single nucleotide variant.
Coding change: c.822A>G on transcript NM_001134793.2 (MANE Select); coding-DNA position 822, A replaced by G.
Protein change: p.Ala274=; no amino-acid change (alanine 274 retained).
Molecular consequence: synonymous variant. On other transcripts: intron variant (2).
Genome position (GRCh38, 1-based): chr11:125,900,190, A>G. VCF-style: chr11-125900190-A-G. GRCh37 (hg19) VCF-style: chr11-125770085-A-G.
Other names: c.822A>G, p.Ala274= (NM_001377269.1, NM_001377270.1, NM_001424364.1 and 1 more transcripts); c.-247+2980T>C (NM_001271985.2); c.-47+2980T>C (NM_031307.4).
Identifiers: ClinVar variation 726758 (VCV000726758.35), dbSNP rs777216787, ClinGen allele CA6350786.

ClinVar aggregate classification (germline): Likely benign. Review status: criteria provided, multiple submitters, no conflicts (2 of 4 stars). 3 submissions from 3 submitters: Likely benign (2). 1 of the submissions does not count toward it. Last evaluated 2024-02-05.

Conditions:
Hydrolethalus syndrome. Identifiers: Orphanet 2189, MedGen C2931104, MONDO:0006037.

Allele frequency attached by ClinVar (database versions not stated): TOPMed 0.00001; gnomAD 0.00003 and 0.00004; gnomAD exomes 0.00003; ExAC 0.00005.
gnomAD v4.1: 42 of 1,614,012 alleles (0.0026%); highest among the groups gnomAD compares: Non-Finnish European, 0.0035%; no homozygotes.

Submissions (3):

Labcorp Genetics (formerly Invitae), Labcorp
Classification: Likely benign. Last evaluated: 2024-02-05. Review status: criteria provided, single submitter. Criteria: Invitae Variant Classification Sherloc (09022015). Collection method: clinical testing. Allele origin: germline.

CeGaT Center for Human Genetics Tuebingen
Classification: Likely benign. Last evaluated: 2023-01-01. Review status: criteria provided, single submitter. Criteria: CeGaT Center For Human Genetics Tuebingen Variant Classification Criteria Version 2. Collection method: clinical testing. Allele origin: germline. Affected: yes. Observed: 1 variant allele.
Comment: HYLS1: BP4, BP7

Natera, Inc.
Classification: Likely benign for Hydrolethalus syndrome. Last evaluated: 2021-03-15. Review status: no assertion criteria provided. Collection method: clinical testing. Allele origin: germline. Not counted in ClinVar's aggregate classification.